The following is an entry in ClinVar:

ClinVar aggregate classification (germline): Likely benign (1 of 4 stars; one submission).

Allele frequency attached by ClinVar (database versions not stated): TOPMed 0.00009; gnomAD 0.00015; gnomAD exomes 0.00050; 1000 Genomes Project 30x 0.00078; 1000 Genomes Project 0.00080.
gnomAD v4.1: 139 of 398,632 alleles (0.035%); highest among the groups gnomAD compares: East Asian, 0.39%; no homozygotes.

Submission:

CeGaT Center for Human Genetics Tuebingen
Classification: Likely benign. Last evaluated: 2025-12-01. Review status: criteria provided, single submitter. Criteria: CeGaT Center For Human Genetics Tuebingen Variant Classification Criteria Version 2. Collection method: clinical testing. Allele origin: germline. Affected: yes. Observed: 4 variant alleles.
Comment: KCNQ1OT1: BS1

NM_000218.3(KCNQ1):c.1514+14652T>A

Genes: KCNQ1 (potassium voltage-gated channel subfamily Q member 1; plus strand), KCNQ1OT1 (KCNQ1 opposite strand/antisense transcript 1; minus strand). Cytogenetic location: 11p15.5.
Variant type: single nucleotide variant.
Coding change: c.1514+14652T>A on transcript NM_000218.3 (MANE Select); 14652 bases into the intron after coding-DNA position 1514, T replaced by A.
Molecular consequence: intron variant.
Genome position (GRCh38, 1-based): chr11:2,676,733, T>A. VCF-style: chr11-2676733-T-A. GRCh37 (hg19) VCF-style: chr11-2697963-T-A.
Other names: c.1244+14652T>A (NM_001406837.1); c.1418+14652T>A (NM_001406836.1); c.974+14652T>A (NM_001406838.1); c.1133+14652T>A (NM_181798.2).
Identifiers: ClinVar variation 2570790 (VCV002570790.27), dbSNP rs141131181, ClinGen allele CA216182063.